The following is an entry in ClinVar:

NM_004268.5(MED17):c.1675C>T (p.Pro559Ser)

Gene: MED17 (mediator complex subunit 17; plus strand). Cytogenetic location: 11q21.
Variant type: single nucleotide variant.
Coding change: c.1675C>T on transcript NM_004268.5 (MANE Select); coding-DNA position 1675, C replaced by T.
Protein change: p.Pro559Ser; replaces proline 559 with serine.
Molecular consequence: missense variant.
Genome position (GRCh38, 1-based): chr11:93,809,807, C>T. VCF-style: chr11-93809807-C-T. GRCh37 (hg19) VCF-style: chr11-93542973-C-T.
Other names: short protein forms P559S.
Identifiers: ClinVar variation 1717540 (VCV001717540.5), dbSNP rs2497555793, ClinGen allele CA382362031.

ClinVar aggregate classification (germline): Uncertain significance (1 of 4 stars; one submission).

Submission:

Labcorp Genetics (formerly Invitae), Labcorp
Classification: Uncertain significance. Last evaluated: 2022-08-22. Review status: criteria provided, single submitter. Criteria: Invitae Variant Classification Sherloc (09022015). Collection method: clinical testing. Allele origin: germline.
Comment: In summary, the available evidence is currently insufficient to determine the role of this variant in disease. Therefore, it has been classified as a Variant of Uncertain Significance. Algorithms developed to predict the effect of missense changes on protein structure and function are either unavailable or do not agree on the potential impact of this missense change (SIFT: "Tolerated"; PolyPhen-2: "Probably Damaging"; Align-GVGD: "Class C0"). This variant has not been reported in the literature in individuals affected with MED17-related conditions. This variant is not present in population databases (gnomAD no frequency). This sequence change replaces proline, which is neutral and non-polar, with serine, which is neutral and polar, at codon 559 of the MED17 protein (p.Pro559Ser).